The following is an entry in ClinVar:

ClinVar aggregate classification (germline): Uncertain significance (1 of 4 stars; one submission).

Conditions:
Hereditary nonpolyposis colorectal neoplasms. Identifiers: MedGen C0009405, MeSH D003123.

Allele frequency attached by ClinVar (database versions not stated): gnomAD exomes below 0.00001.
gnomAD v4.1: 1 of 1,614,176 alleles (0.000062%); highest among the groups gnomAD compares: Non-Finnish European, 0.000085%; no homozygotes.

Submission:

Labcorp Genetics (formerly Invitae), Labcorp
Classification: Uncertain significance for Hereditary nonpolyposis colorectal neoplasms. Last evaluated: 2023-01-26. Review status: criteria provided, single submitter. Criteria: Invitae Variant Classification Sherloc (09022015). Collection method: clinical testing. Allele origin: germline.
Comment: In summary, the available evidence is currently insufficient to determine the role of this variant in disease. Therefore, it has been classified as a Variant of Uncertain Significance. Advanced modeling of protein sequence and biophysical properties (such as structural, functional, and spatial information, amino acid conservation, physicochemical variation, residue mobility, and thermodynamic stability) performed at Invitae indicates that this missense variant is not expected to disrupt MSH6 protein function. ClinVar contains an entry for this variant (Variation ID: 410417). This variant has not been reported in the literature in individuals affected with MSH6-related conditions. This variant is not present in population databases (gnomAD no frequency). This sequence change replaces valine, which is neutral and non-polar, with leucine, which is neutral and non-polar, at codon 586 of the MSH6 protein (p.Val586Leu).

NM_000179.3(MSH6):c.1756G>C (p.Val586Leu)

Gene: MSH6 (mutS homolog 6; plus strand). Cytogenetic location: 2p16.3.
Variant type: single nucleotide variant.
Coding change: c.1756G>C on transcript NM_000179.3 (MANE Select); coding-DNA position 1756, G replaced by C.
Protein change: p.Val586Leu; replaces valine 586 with leucine.
Molecular consequence: missense variant.
Genome position (GRCh38, 1-based): chr2:47,799,739, G>C. VCF-style: chr2-47799739-G-C. GRCh37 (hg19) VCF-style: chr2-48026878-G-C.
Other names: c.1366G>C, p.Val456Leu (NM_001281492.2); c.850G>C, p.Val284Leu (NM_001281493.2, NM_001281494.2); short protein forms V586L, V284L, V456L.
Identifiers: ClinVar variation 410417 (VCV000410417.9), dbSNP rs1044963129, ClinGen allele CA16611137.